The following is an entry in ClinVar:

NM_000141.5(FGFR2):c.68C>A (p.Pro23His)

Gene: FGFR2 (fibroblast growth factor receptor 2; minus strand). Cytogenetic location: 10q26.13.
Variant type: single nucleotide variant.
Coding change: c.68C>A on transcript NM_000141.5 (MANE Select); coding-DNA position 68, C replaced by A.
Protein change: p.Pro23His; replaces proline 23 with histidine.
Molecular consequence: missense variant. On other transcripts: non-coding transcript variant (1).
Genome position (GRCh38, 1-based): chr10:121,593,750, G>T on the plus strand (C>A on the coding strand, the complement: FGFR2 is on the minus strand). VCF-style: chr10-121593750-G-T. GRCh37 (hg19) VCF-style: chr10-123353264-G-T.
Other names: c.68C>A, p.Pro23His (NM_001144913.1, NM_001144914.1, NM_001144915.2 and 7 more transcripts); short protein forms P23H.
Identifiers: ClinVar variation 3354631 (VCV003354631.2).

ClinVar aggregate classification (germline): Uncertain significance. Review status: criteria provided, single submitter (1 of 4 stars). 2 submissions from 2 submitters: Uncertain significance (1). 1 of the submissions does not count toward it. Last evaluated 2024-01-22.

Conditions:
Bent bone dysplasia syndrome 1 (BBDS1). Also called: FGFR2-related bent bone dysplasia. Identifiers: Orphanet 313855, MedGen C3281247, MONDO:0013815, OMIM 614592.
Familial scaphocephaly syndrome, McGillivray type. Also called: SCAPHOCEPHALY, MAXILLARY RETRUSION, AND IMPAIRED INTELLECTUAL DEVELOPMENT. Identifiers: Orphanet 168624, MedGen C1865070, MONDO:0012307, OMIM 609579.
Crouzon syndrome. Also called: CRANIOFACIAL DYSOSTOSIS, TYPE I; Craniofacial dysostosis type 1; Crouzon craniofacial dysostosis; Crouzon disease; Craniofacial dysostosis. Identifiers: Orphanet 207, MedGen C0010273, MeSH D003394, MONDO:0007405, OMIM 123500, HP:0004439.
Antley-Bixler syndrome without genital anomalies or disordered steroidogenesis (ABS2). Also called: MULTISYNOSTOTIC OSTEODYSGENESIS WITH LONG BONE FRACTURES; Antley-Bixler Syndrome, Autosomal Dominant; Trapezoidocephaly synostosis syndrome; Osteodysgenesis, multisynostotic with fractures. Identifiers: Orphanet 596008, Orphanet 83, MedGen C2936791, MONDO:0020667, OMIM 207410.
Beare-Stevenson cutis gyrata syndrome (BSTVS). Identifiers: Orphanet 1555, MedGen C1852406, MONDO:0007412, OMIM 123790.
Gastric cancer. Also called: Stomach cancer; Malignant tumor of stomach. Identifiers: MedGen C0024623, MeSH D013274, MONDO:0001056, OMIM 613659, HP:0012126.
Jackson-Weiss syndrome (JWS). Also called: CRANIOSYNOSTOSIS, MIDFACIAL HYPOPLASIA, AND FOOT ABNORMALITIES. Identifiers: Orphanet 1540, MedGen C0795998, MONDO:0007400, OMIM 123150. Disease mechanism: loss of function.
Acrocephalosyndactyly type I (ACS1). Also called: Acrocephalo-syndactyly type 1; ACS 1; Syndactylic oxycephaly; Apert syndrome. Identifiers: Orphanet 87, MedGen C0001193, MONDO:0007041, OMIM 101200.
Pfeiffer syndrome (ACS5). Also called: ACS V. Identifiers: Orphanet 710, MedGen C0220658, MONDO:0007043, OMIM 101600.
Saethre-Chotzen syndrome (SCS). Also called: ACROCEPHALY, SKULL ASYMMETRY, AND MILD SYNDACTYLY; ACS III; CHOTZEN SYNDROME. Identifiers: Orphanet 794, MedGen C0175699, MONDO:0007042, OMIM 101400.
LADD syndrome 1 (LADD1). Also called: Lacrimoauriculodentodigital syndrome 1. Identifiers: MedGen C5774323, MONDO:0100302, OMIM 149730.
FGFR2-related disorder. Identifiers: MedGen CN380096.

gnomAD v4.1: 10 of 1,614,042 alleles (0.00062%); highest among the groups gnomAD compares: South Asian, 0.0022%; no homozygotes.

Submissions (2):

Fulgent Genetics
Classification: Uncertain significance for Acrocephalosyndactyly type I; Saethre-Chotzen syndrome; Pfeiffer syndrome; Jackson-Weiss syndrome; Crouzon syndrome; Beare-Stevenson cutis gyrata syndrome; LADD syndrome 1; Antley-Bixler syndrome without genital anomalies or disordered steroidogenesis; Familial scaphocephaly syndrome, McGillivray type; Gastric cancer; Bent bone dysplasia syndrome 1. Last evaluated: 2024-01-22. Review status: criteria provided, single submitter. Criteria: ACMG Guidelines, 2015. Collection method: clinical testing. Allele origin: germline.

PreventionGenetics, part of Exact Sciences
Classification: Uncertain significance for FGFR2-related condition. Last evaluated: 2024-05-20. Review status: no assertion criteria provided. Collection method: clinical testing. Allele origin: germline. Not counted in ClinVar's aggregate classification.
Comment: The FGFR2 c.68C>A variant is predicted to result in the amino acid substitution p.Pro23His. To our knowledge, this variant has not been reported in the literature. This variant is reported in 0.00088% of alleles in individuals of European (Non-Finnish) descent in gnomAD. At this time, the clinical significance of this variant is uncertain due to the absence of conclusive functional and genetic evidence.